The following is an entry in ClinVar:

NM_000384.3(APOB):c.8727G>T (p.Glu2909Asp)

Gene: APOB (apolipoprotein B; minus strand). Cytogenetic location: 2p24.1.
Variant type: single nucleotide variant.
Coding change: c.8727G>T on transcript NM_000384.3 (MANE Select); coding-DNA position 8727, G replaced by T.
Protein change: p.Glu2909Asp; replaces glutamic acid 2909 with aspartic acid.
Molecular consequence: missense variant.
Genome position (GRCh38, 1-based): chr2:21,008,141, C>A on the plus strand (G>T on the coding strand, the complement: APOB is on the minus strand). VCF-style: chr2-21008141-C-A. GRCh37 (hg19) VCF-style: chr2-21231013-C-A.
Other names: c.8727G>T (NM_000384.2); short protein forms E2909D.
Identifiers: ClinVar variation 2922630 (VCV002922630.4), dbSNP rs1470472158, ClinGen allele CA345993496.

ClinVar aggregate classification (germline): Conflicting classifications of pathogenicity. Review status: criteria provided, conflicting classifications (1 of 4 stars). 2 submissions from 2 submitters: Uncertain significance (1); Likely benign (1). Last evaluated 2024-12-22.

Conditions:
Cardiovascular phenotype. Identifiers: MedGen CN230736.
Hypercholesterolemia, autosomal dominant, type B (FHCL2). Also called: APOB-Related Familial Hypercholesterolemia, Autosomal Dominant; Familial Hypercholesterolemia Type B; APOLIPOPROTEIN B-100, FAMILIAL DEFECTIVE; APOLIPOPROTEIN B-100, FAMILIAL LIGAND-DEFECTIVE; HYPERCHOLESTEROLEMIA, FAMILIAL, DUE TO LIGAND-DEFECTIVE APOLIPOPROTEIN B; Hyperlipoproteinemia Type IIb. Identifiers: MedGen C1704417, MONDO:0007751, OMIM 144010.
Familial hypobetalipoproteinemia 1. Also called: Hypobetalipoproteinemia, normotriglyceridemic; Acanthocytosis with hypobetalipoproteinemia; APOB-Related Familial Hypobetalipoproteinemia. Identifiers: MedGen C4551990, MONDO:0014252, OMIM 615558.

Allele frequency attached by ClinVar (database versions not stated): gnomAD exomes below 0.00001; gnomAD 0.00001; TOPMed 0.00001.

Submissions (2):

Labcorp Genetics (formerly Invitae), Labcorp
Classification: Likely benign for Familial hypobetalipoproteinemia 1; Hypercholesterolemia, autosomal dominant, type B. Last evaluated: 2024-12-22. Review status: criteria provided, single submitter. Criteria: Invitae Variant Classification Sherloc (09022015). Collection method: clinical testing. Allele origin: germline.

Ambry Genetics
Classification: Uncertain significance for Cardiovascular phenotype. Last evaluated: 2024-04-14. Review status: criteria provided, single submitter. Criteria: Ambry Variant Classification Scheme 2023. Collection method: clinical testing. Allele origin: germline.
Comment: The p.E2909D variant (also known as c.8727G>T), located in coding exon 26 of the APOB gene, results from a G to T substitution at nucleotide position 8727. The glutamic acid at codon 2909 is replaced by aspartic acid, an amino acid with highly similar properties. This amino acid position is conserved. In addition, this alteration is predicted to be tolerated by in silico analysis. Based on the available evidence, the clinical significance of this variant remains unclear.